The following is an entry in ClinVar:

ClinVar aggregate classification (germline): Conflicting classifications of pathogenicity. Review status: criteria provided, conflicting classifications (1 of 4 stars). 7 submissions from 7 submitters: Uncertain significance (5); Likely benign (2). Last evaluated 2025-12-23.

Conditions:
COL6A3-related disorder. Also called: COL6A3-related condition; COL6A3-related disorders.
Inborn genetic diseases. Identifiers: MedGen C0950123, MeSH D030342.
Bethlem myopathy 1A. Also called: Bethlem Muscular Dystrophy; Bethlem myopathy 1; MYOPATHY, BENIGN CONGENITAL, WITH CONTRACTURES. Identifiers: Orphanet 610, MedGen CN029274, MONDO:0024530, OMIM 158810.

Allele frequency attached by ClinVar (database versions not stated): ExAC 0.00005; 1000 Genomes Project 30x 0.00016; 1000 Genomes Project 0.00020; TOPMed 0.00039.
gnomAD v4.1: 76 of 1,614,168 alleles (0.0047%); highest among the groups gnomAD compares: Admixed American, 0.037%; no homozygotes.

Submissions (7):

Labcorp Genetics (formerly Invitae), Labcorp
Classification: Likely benign for Bethlem myopathy 1A. Last evaluated: 2025-12-23. Review status: criteria provided, single submitter. Criteria: Invitae Variant Classification Sherloc (09022015). Collection method: clinical testing. Allele origin: germline.

PreventionGenetics, part of Exact Sciences
Classification: Uncertain significance for COL6A3-related condition. Last evaluated: 2025-02-13. Review status: criteria provided, single submitter. Criteria: ACMG Guidelines, 2015. Collection method: clinical testing. Allele origin: germline.
Comment: The COL6A3 c.2729C>T variant is predicted to result in the amino acid substitution p.Thr910Met. To our knowledge, this variant has not been reported in the literature. This variant is reported in 0.012% of alleles in individuals of Latino descent in gnomAD. This variant has conflicting classifications listed in ClinVar ranging from likely benign to uncertain. At this time, the clinical significance of this variant is uncertain due to the absence of conclusive functional and genetic evidence.

Ambry Genetics
Classification: Uncertain significance for Inborn genetic diseases. Last evaluated: 2024-11-25. Review status: criteria provided, single submitter. Criteria: Ambry Variant Classification Scheme 2023. Collection method: clinical testing. Allele origin: germline.

GeneDx
Classification: Uncertain significance. Last evaluated: 2024-11-20. Review status: criteria provided, single submitter. Criteria: GeneDx Variant Classification Process June 2021. Collection method: clinical testing. Allele origin: germline. Affected: yes.
Comment: In silico analysis indicates that this missense variant does not alter protein structure/function; Has not been previously published as pathogenic or benign to our knowledge

Revvity Omics, Revvity
Classification: Likely benign. Last evaluated: 2023-12-06. Review status: criteria provided, single submitter. Criteria: ACMG Guidelines, 2015. Collection method: clinical testing. Allele origin: germline.

Blueprint Genetics
Classification: Uncertain significance. Last evaluated: 2022-07-30. Review status: criteria provided, single submitter. Criteria: ACMG Guidelines, 2015. Collection method: clinical testing. Allele origin: germline.

Genomic Research Center, Shahid Beheshti University of Medical Sciences
Classification: Uncertain significance. Last evaluated: 2019-01-01. Review status: criteria provided, single submitter. Criteria: ACMG Guidelines, 2015. Collection method: clinical testing. Allele origin: unknown. Affected: yes. Observed: 1 variant allele.

NM_004369.4(COL6A3):c.2729C>T (p.Thr910Met)

Gene: COL6A3 (collagen type VI alpha 3 chain; minus strand). Cytogenetic location: 2q37.3.
Variant type: single nucleotide variant.
Coding change: c.2729C>T on transcript NM_004369.4 (MANE Select); coding-DNA position 2729, C replaced by T.
Protein change: p.Thr910Met; replaces threonine 910 with methionine.
Molecular consequence: missense variant.
Genome position (GRCh38, 1-based): chr2:237,377,113, G>A on the plus strand (C>T on the coding strand, the complement: COL6A3 is on the minus strand). VCF-style: chr2-237377113-G-A. GRCh37 (hg19) VCF-style: chr2-238285756-G-A.
Other names: c.1508C>T, p.Thr503Met (NM_057164.5); c.2111C>T, p.Thr704Met (NM_057165.5, NM_057167.4); c.908C>T, p.Thr303Met (NM_057166.5); short protein forms T910M, T303M, T503M, T704M.
Identifiers: ClinVar variation 574552 (VCV000574552.22), dbSNP rs189356869, ClinGen allele CA2189338.
Genomic context (GRCh38, chr2:237,377,113, plus strand): 5'-TTCACAAAAATGTACCTCTGTGCATAGTCCAGCGCGTAGCCCAGGTTGAGGGCTTTGCCC[G>A]TCTTGATCTTCATTCTCTTCACAAGATTCAGGATCTCAGGCTTACTCTGGTGCTCATCAA-3'
Protein context (NP_004360.2, residues 900-920): LNLVKRMKIK[Thr910Met]GKALNLGYAL